The following is an entry in ClinVar:

ClinVar aggregate classification (germline): Pathogenic (1 of 4 stars; one submission).

Conditions:
Fanconi anemia (FA). Also called: Fanconi's anemia. Identifiers: Orphanet 84, MedGen C0015625, MeSH D005199, MONDO:0019391.

Submission:

Labcorp Genetics (formerly Invitae), Labcorp
Classification: Pathogenic for Fanconi anemia. Last evaluated: 2022-08-19. Review status: criteria provided, single submitter. Criteria: Invitae Variant Classification Sherloc (09022015). Collection method: clinical testing. Allele origin: germline.
Comment: This variant is a gross deletion of the genomic region encompassing exon(s) 1-20 of the FANCA gene, which includes the initiator codon. This deletion extends beyond the assayed region for this gene and therefore may encompass additional genes. It is expected to result in an absent or disrupted protein product. Loss-of-function variants in FANCA are known to be pathogenic (PMID: 19367192). A similar copy number variant has been observed in individual(s) with Fanconi anemia (PMID: 22720145). For these reasons, this variant has been classified as Pathogenic.

Literature cited by the submitters: PubMed 19367192; PubMed 22720145.

NC_000016.10:g.(?_89778791)_(89816625_?)del

Gene: FANCA (FA complementation group A; minus strand). Cytogenetic location: 16q24.3.
Variant type: Deletion.
Identifiers: ClinVar variation 832674 (VCV000832674.7).